The following is an entry in ClinVar:

ClinVar aggregate classification (germline): Uncertain significance. Review status: criteria provided, single submitter (1 of 4 stars). 2 submissions from 2 submitters: Uncertain significance (1). 1 of the submissions does not count toward it. Last evaluated 2021-08-24.

Conditions:
Cystic fibrosis (CF). Also called: MUCOVISCIDOSIS. Identifiers: Orphanet 586, MedGen C0010674, MONDO:0009061, OMIM 219700. Disease mechanism: loss of function.

Submissions (2):

Labcorp Genetics (formerly Invitae), Labcorp
Classification: Uncertain significance for Cystic fibrosis. Last evaluated: 2021-08-24. Review status: criteria provided, single submitter. Criteria: Invitae Variant Classification Sherloc (09022015). Collection method: clinical testing. Allele origin: germline.
Comment: This sequence change replaces proline with leucine at codon 499 of the CFTR protein (p.Pro499Leu). The proline residue is moderately conserved and there is a moderate physicochemical difference between proline and leucine. This variant is not present in population databases (ExAC no frequency). This variant has not been reported in the literature in individuals affected with CFTR-related conditions. Algorithms developed to predict the effect of missense changes on protein structure and function (SIFT, PolyPhen-2, Align-GVGD) all suggest that this variant is likely to be tolerated. In summary, the available evidence is currently insufficient to determine the role of this variant in disease. Therefore, it has been classified as a Variant of Uncertain Significance.

Dr Mariam's Lab, University of the Punjab
Classification: Likely pathogenic for Cystic fibrosis. Review status: no assertion criteria provided. Collection method: research. Allele origin: germline. Affected: yes. Not counted in ClinVar's aggregate classification.

NM_000492.4(CFTR):c.1496C>T (p.Pro499Leu)

Genes: CFTR (CF transmembrane conductance regulator; plus strand), CFTR-AS1 (CFTR antisense RNA 1; minus strand). Cytogenetic location: 7q31.2.
Variant type: single nucleotide variant.
Coding change: c.1496C>T on transcript NM_000492.4 (MANE Select); coding-DNA position 1496, C replaced by T.
Protein change: p.Pro499Leu; replaces proline 499 with leucine.
Molecular consequence: missense variant.
Genome position (GRCh38, 1-based): chr7:117,559,567, C>T. VCF-style: chr7-117559567-C-T. GRCh37 (hg19) VCF-style: chr7-117199621-C-T.
Other names: short protein forms P499L.
Identifiers: ClinVar variation 647423 (VCV000647423.7), dbSNP rs1584798328, ClinGen allele CA368984613.
Genomic context (GRCh38, chr7:117,559,567, plus strand): 5'-AGGGTAAAATTAAGCACAGTGGAAGAATTTCATTCTGTTCTCAGTTTTCCTGGATTATGC[C>T]TGGCACCATTAAAGAAAATATCATCTTTGGTGTTTCCTATGATGAATATAGATACAGAAG-3'
Protein context (NP_000483.3, residues 489-509): SFCSQFSWIM[Pro499Leu]GTIKENIIFG